The following is an entry in ClinVar:

ClinVar aggregate classification (germline): Uncertain significance (1 of 4 stars; one submission).

Submission:

GeneDx
Classification: Uncertain significance. Last evaluated: 2024-08-30. Review status: criteria provided, single submitter. Criteria: GeneDx Variant Classification Process June 2021. Collection method: clinical testing. Allele origin: germline. Affected: yes.
Comment: Not observed at significant frequency in large population cohorts (gnomAD); In silico analysis supports that this missense variant has a deleterious effect on protein structure/function; Has not been previously published as pathogenic or benign to our knowledge

NM_178014.4(TUBB):c.532A>G (p.Thr178Ala)

Gene: TUBB (tubulin beta class I; plus strand). Cytogenetic location: 6p21.33.
Variant type: single nucleotide variant.
Coding change: c.532A>G on transcript NM_178014.4 (MANE Select); coding-DNA position 532, A replaced by G.
Protein change: p.Thr178Ala; replaces threonine 178 with alanine.
Molecular consequence: missense variant. On other transcripts: intron variant (1).
Genome position (GRCh38, 1-based): chr6:30,723,594, A>G. VCF-style: chr6-30723594-A-G. GRCh37 (hg19) VCF-style: chr6-30691371-A-G.
Other names: c.592A>G, p.Thr198Ala (NM_001293212.2); c.400A>G, p.Thr134Ala (NM_001293214.2); c.316A>G, p.Thr106Ala (NM_001293215.2, NM_001293216.2); c.369+163A>G (NM_001293213.2); short protein forms T106A, T134A, T178A, T198A.
Identifiers: ClinVar variation 3766102 (VCV003766102.1).